The following is an entry in ClinVar:

ClinVar aggregate classification (germline): Uncertain significance. Review status: criteria provided, multiple submitters, no conflicts (2 of 4 stars). 2 submissions from 2 submitters: Uncertain significance (2). Last evaluated 2025-01-24.

Conditions:
Primary dilated cardiomyopathy (DCM). Also called: Dilated Cardiomyopathy. Identifiers: Orphanet 217604, MedGen C0007193, MeSH D002311, MONDO:0005021, HP:0001644. Inheritance: Various modes of inheritance.

Allele frequency attached by ClinVar (database versions not stated): gnomAD 0.00001.
gnomAD v4.1: 1 of 1,613,450 alleles (0.000062%); highest among the groups gnomAD compares: African/African-American, 0.0013%; no homozygotes.

Submissions (2):

Ambry Genetics
Classification: Uncertain significance. Last evaluated: 2025-01-24. Review status: criteria provided, single submitter. Criteria: Ambry Variant Classification Scheme 2023. Collection method: clinical testing. Allele origin: germline.

Labcorp Genetics (formerly Invitae), Labcorp
Classification: Uncertain significance for Primary dilated cardiomyopathy. Last evaluated: 2022-03-19. Review status: criteria provided, single submitter. Criteria: Invitae Variant Classification Sherloc (09022015). Collection method: clinical testing. Allele origin: germline.
Comment: This sequence change replaces glutamine, which is neutral and polar, with histidine, which is basic and polar, at codon 537 of the NEBL protein (p.Gln537His). This variant is not present in population databases (gnomAD no frequency). This variant has not been reported in the literature in individuals affected with NEBL-related conditions. Algorithms developed to predict the effect of missense changes on protein structure and function are either unavailable or do not agree on the potential impact of this missense change (SIFT: "Tolerated"; PolyPhen-2: "Possibly Damaging"; Align-GVGD: "Class C0"). In summary, the available evidence is currently insufficient to determine the role of this variant in disease. Therefore, it has been classified as a Variant of Uncertain Significance.

NM_006393.3(NEBL):c.1611A>C (p.Gln537His)

Gene: NEBL (nebulette; minus strand). Cytogenetic location: 10p12.31.
Variant type: single nucleotide variant.
Coding change: c.1611A>C on transcript NM_006393.3 (MANE Select); coding-DNA position 1611, A replaced by C.
Protein change: p.Gln537His; replaces glutamine 537 with histidine.
Molecular consequence: missense variant. On other transcripts: intron variant (9).
Genome position (GRCh38, 1-based): chr10:20,831,256, T>G on the plus strand (A>C on the coding strand, the complement: NEBL is on the minus strand). VCF-style: chr10-20831256-T-G. GRCh37 (hg19) VCF-style: chr10-21120185-T-G.
Other names: c.250-18316A>C (NM_001377326.1, NM_001377327.1, NM_001377328.1); c.358-18316A>C (NM_213569.2, NM_001173484.2, NM_001377322.1); c.301-18316A>C (NM_001377324.1); c.292-18316A>C (NM_001377325.1); c.310-18316A>C (NM_001377323.1); c.1611A>C (NM_006393.2); short protein forms Q537H.
Identifiers: ClinVar variation 1470661 (VCV001470661.8), dbSNP rs865956162, ClinGen allele CA204164051.